The following is an entry in ClinVar:

ClinVar aggregate classification (germline): Uncertain significance. Review status: criteria provided, multiple submitters, no conflicts (2 of 4 stars). 3 submissions from 3 submitters: Uncertain significance (3). Last evaluated 2025-12-06.

Conditions:
Cardiovascular phenotype. Identifiers: MedGen CN230736.
Cardiofaciocutaneous syndrome 3 (CFC3). Also called: MAP2K1-Related Cardiofaciocutaneous Syndrome. Identifiers: Orphanet 1340, MedGen C3809006, MONDO:0014113, OMIM 615279.
Melorheostosis (MEL). Also called: MELORHEOSTOSIS, ISOLATED. Identifiers: Orphanet 2485, MedGen C3149631, MONDO:0007970, OMIM 155950, HP:6000817.
RASopathy. Also called: rasopathies; Noonan spectrum disorder. Identifiers: Orphanet 536391, MedGen C5555857, MONDO:0021060.

Allele frequency attached by ClinVar (database versions not stated): gnomAD exomes below 0.00001; ExAC 0.00001; gnomAD 0.00001.
gnomAD v4.1: 3 of 1,613,914 alleles (0.00019%); highest among the groups gnomAD compares: Non-Finnish European, 0.00025%; no homozygotes.

Submissions (3):

Labcorp Genetics (formerly Invitae), Labcorp
Classification: Uncertain significance for RASopathy. Last evaluated: 2025-12-06. Review status: criteria provided, single submitter. Criteria: Invitae Variant Classification Sherloc (09022015). Collection method: clinical testing. Allele origin: germline.
Comment: This sequence change replaces aspartic acid, which is acidic and polar, with glutamic acid, which is acidic and polar, at codon 267 of the MAP2K1 protein (p.Asp267Glu). This variant is present in population databases (rs754086223, gnomAD 0.002%). This variant has not been reported in the literature in individuals affected with MAP2K1-related conditions. ClinVar contains an entry for this variant (Variation ID: 1761697). Invitae Evidence Modeling of protein sequence and biophysical properties (such as structural, functional, and spatial information, amino acid conservation, physicochemical variation, residue mobility, and thermodynamic stability) has been performed for this missense variant. However, the output from this modeling did not meet the statistical confidence thresholds required to predict the impact of this variant on MAP2K1 protein function. In summary, the available evidence is currently insufficient to determine the role of this variant in disease. Therefore, it has been classified as a Variant of Uncertain Significance.

Fulgent Genetics
Classification: Uncertain significance for Melorheostosis; Cardiofaciocutaneous syndrome 3. Last evaluated: 2024-01-20. Review status: criteria provided, single submitter. Criteria: ACMG Guidelines, 2015. Collection method: clinical testing. Allele origin: germline.

Ambry Genetics
Classification: Uncertain significance for Cardiovascular phenotype. Last evaluated: 2021-08-05. Review status: criteria provided, single submitter. Criteria: Ambry Variant Classification Scheme 2023. Collection method: clinical testing. Allele origin: germline.
Comment: The p.D267E variant (also known as c.801T>A), located in coding exon 7 of the MAP2K1 gene, results from a T to A substitution at nucleotide position 801. The aspartic acid at codon 267 is replaced by glutamic acid, an amino acid with highly similar properties. This amino acid position is conserved. In addition, this alteration is predicted to be tolerated by in silico analysis. Since supporting evidence is limited at this time, the clinical significance of this alteration remains unclear.

NM_002755.4(MAP2K1):c.801T>A (p.Asp267Glu)

Gene: MAP2K1 (mitogen-activated protein kinase kinase 1; plus strand). Cytogenetic location: 15q22.31.
Variant type: single nucleotide variant.
Coding change: c.801T>A on transcript NM_002755.4 (MANE Select); coding-DNA position 801, T replaced by A.
Protein change: p.Asp267Glu; replaces aspartic acid 267 with glutamic acid.
Molecular consequence: missense variant.
Genome position (GRCh38, 1-based): chr15:66,485,097, T>A. VCF-style: chr15-66485097-T-A. GRCh37 (hg19) VCF-style: chr15-66777435-T-A.
Other names: c.657T>A, p.Asp219Glu (NM_001411065.1); short protein forms D219E, D267E.
Identifiers: ClinVar variation 1761697 (VCV001761697.4), dbSNP rs754086223, ClinGen allele CA7624019.